The following is an entry in ClinVar:

ClinVar aggregate classification (germline): Uncertain significance (1 of 4 stars; one submission).

Conditions:
Hereditary cancer-predisposing syndrome. Also called: Neoplastic Syndromes, Hereditary; Tumor predisposition; Hereditary Cancer Syndrome; Hereditary neoplastic syndrome. Identifiers: Orphanet 140162, MedGen C0027672, MeSH D009386, MONDO:0015356.

Submission:

Ambry Genetics
Classification: Uncertain significance for Hereditary cancer-predisposing syndrome. Last evaluated: 2026-05-15. Review status: criteria provided, single submitter. Criteria: Ambry Variant Classification Scheme 2023. Collection method: clinical testing. Allele origin: germline.
Comment: The p.C701Y variant (also known as c.2102G>A), located in coding exon 12 of the ALK gene, results from a G to A substitution at nucleotide position 2102. The cysteine at codon 701 is replaced by tyrosine, an amino acid with highly dissimilar properties. This amino acid position is conserved. In addition, this alteration is predicted to be deleterious by in silico analysis. Based on the available evidence, the clinical significance of this variant remains unclear.

NM_004304.5(ALK):c.2102G>A (p.Cys701Tyr)

Gene: ALK (ALK receptor tyrosine kinase; minus strand). Cytogenetic location: 2p23.2.
Variant type: single nucleotide variant.
Coding change: c.2102G>A on transcript NM_004304.5 (MANE Select); coding-DNA position 2102, G replaced by A.
Protein change: p.Cys701Tyr; replaces cysteine 701 with tyrosine.
Molecular consequence: missense variant.
Genome position (GRCh38, 1-based): chr2:29,251,207, C>T on the plus strand (G>A on the coding strand, the complement: ALK is on the minus strand). VCF-style: chr2-29251207-C-T. GRCh37 (hg19) VCF-style: chr2-29474073-C-T.
Other names: short protein forms C701Y.
Identifiers: ClinVar variation 4870333 (VCV004870333.1).